The following is an entry in ClinVar:

NM_000260.4(MYO7A):c.755A>G (p.Tyr252Cys)

Gene: MYO7A (myosin VIIA; plus strand). Cytogenetic location: 11q13.5.
Variant type: single nucleotide variant.
Coding change: c.755A>G on transcript NM_000260.4 (MANE Select); coding-DNA position 755, A replaced by G.
Protein change: p.Tyr252Cys; replaces tyrosine 252 with cysteine.
Molecular consequence: missense variant.
Genome position (GRCh38, 1-based): chr11:77,157,298, A>G. VCF-style: chr11-77157298-A-G. GRCh37 (hg19) VCF-style: chr11-76868344-A-G.
Other names: c.755A>G, p.Tyr252Cys (NM_001127180.2); c.722A>G, p.Tyr241Cys (NM_001369365.1); short protein forms Y252C, Y241C.
Identifiers: ClinVar variation 4913180 (VCV004913180.2).

ClinVar aggregate classification (germline): Uncertain significance. Review status: criteria provided, multiple submitters, no conflicts (2 of 4 stars). 2 submissions from 2 submitters: Uncertain significance (2). Last evaluated 2026-02-26.

Conditions:
Usher syndrome type 1 (USH1). Also called: RETINITIS PIGMENTOSA AND CONGENITAL DEAFNESS. Identifiers: Orphanet 231169, Orphanet 886, MedGen C1568247, MONDO:0010168, OMIM 276900.

gnomAD v4.1: 1 of 1,611,206 alleles (0.000062%); highest among the groups gnomAD compares: Non-Finnish European, 0.000085%; no homozygotes.

Submissions (2):

Myriad Genetics, Inc.
Classification: Uncertain significance for Usher syndrome type 1. Last evaluated: 2026-02-26. Review status: criteria provided, single submitter. Criteria: Myriad Autosomal Dominant, Autosomal Recessive and X-Linked Classification Criteria (2023). Collection method: clinical testing. Allele origin: unknown.
Comment: NM_000260.3(MYO7A):c.755A>G(Y252C) is a missense variant classified as a variant of uncertain significance in the context of MYO7A-related disorders. Y252C has been observed in a case with relevant disease (PMID: 16400615). Relevant functional assessments of this variant are not available in the literature. Y252C has not been observed in referenced population frequency databases. In summary, there is insufficient evidence to classify NM_000260.3(MYO7A):c.755A>G(Y252C) as pathogenic or benign. Please note: this variant was assessed in the context of healthy population screening.

Blueprint Genetics
Classification: Uncertain significance. Last evaluated: 2021-07-22. Review status: criteria provided, single submitter. Criteria: ACMG Guidelines, 2015. Collection method: clinical testing. Allele origin: germline.

Literature cited by the submitters: PubMed 16400615 (cited by Myriad Genetics, Inc.).